The following is an entry in ClinVar:

NM_001330360.2(POLA1):c.1504C>T (p.Pro502Ser)

Gene: POLA1 (DNA polymerase alpha 1, catalytic subunit; plus strand). Cytogenetic location: Xp22.11.
Variant type: single nucleotide variant.
Coding change: c.1504C>T on transcript NM_001330360.2 (MANE Select); coding-DNA position 1504, C replaced by T.
Protein change: p.Pro502Ser; replaces proline 502 with serine.
Molecular consequence: missense variant. On other transcripts: non-coding transcript variant (2).
Genome position (GRCh38, 1-based): chrX:24,727,044, C>T. VCF-style: chrX-24727044-C-T. GRCh37 (hg19) VCF-style: chrX-24745161-C-T.
Other names: c.1429C>T, p.Pro477Ser (NM_001378303.1); c.1486C>T, p.Pro496Ser (NM_016937.4); c.1486C>T (NM_016937.3); short protein forms P477S, P496S, P502S.
Identifiers: ClinVar variation 1087422 (VCV001087422.35), dbSNP rs145623455, ClinGen allele CA10372986.

ClinVar aggregate classification (germline): Likely benign. Review status: criteria provided, multiple submitters, no conflicts (2 of 4 stars). 5 submissions from 5 submitters: Likely benign (4). 1 of the submissions does not count toward it. Last evaluated 2026-02-02.

Conditions:
Inborn genetic diseases. Identifiers: MedGen C0950123, MeSH D030342.
POLA1-related disorder. Also called: POLA1-related condition.

Allele frequency attached by ClinVar (database versions not stated): 1000 Genomes Project 30x 0.00021; 1000 Genomes Project 0.00026; gnomAD 0.00033 and 0.00039; TOPMed 0.00044; ExAC 0.00045; gnomAD exomes 0.00053 and 0.00055; ESP Exome Variant Server 0.00066.
gnomAD v4.1: 645 of 1,201,090 alleles (0.054%); highest among the groups gnomAD compares: Middle Eastern, 0.25%; 1 homozygote.

Submissions (5):

Labcorp Genetics (formerly Invitae), Labcorp
Classification: Likely benign. Last evaluated: 2026-02-02. Review status: criteria provided, single submitter. Criteria: Invitae Variant Classification Sherloc (09022015). Collection method: clinical testing. Allele origin: germline.

Blueprint Genetics
Classification: Likely benign. Last evaluated: 2024-11-14. Review status: criteria provided, single submitter. Criteria: ACMG Guidelines, 2015. Collection method: clinical testing. Allele origin: germline.

CeGaT Center for Human Genetics Tuebingen
Classification: Likely benign. Last evaluated: 2022-12-01. Review status: criteria provided, single submitter. Criteria: CeGaT Center For Human Genetics Tuebingen Variant Classification Criteria Version 2. Collection method: clinical testing. Allele origin: germline. Affected: yes. Observed: 1 variant allele.
Comment: POLA1: BS2

Ambry Genetics
Classification: Likely benign for Inborn genetic diseases. Last evaluated: 2022-02-10. Review status: criteria provided, single submitter. Criteria: Ambry Variant Classification Scheme 2023. Collection method: clinical testing. Allele origin: germline.

PreventionGenetics, part of Exact Sciences
Classification: Likely benign for POLA1-related condition. Last evaluated: 2022-02-23. Review status: no assertion criteria provided. Collection method: clinical testing. Allele origin: germline. Not counted in ClinVar's aggregate classification.
Comment: This variant is classified as likely benign based on ACMG/AMP sequence variant interpretation guidelines (Richards et al. 2015 PMID: 25741868, with internal and published modifications).